The following is an entry in ClinVar:

ClinVar aggregate classification (germline): Conflicting classifications of pathogenicity. Review status: criteria provided, conflicting classifications (1 of 4 stars). 18 submissions from 17 submitters: Uncertain significance (1); Benign (2); Likely benign (10). 5 of the submissions do not count toward it. Last evaluated 2026-01-27.

Conditions:
Cardiovascular phenotype. Identifiers: MedGen CN230736.
Cardiomyopathy (CMYO). Also called: Cardiomyopathies. Identifiers: Orphanet 167848, MedGen C0878544, MONDO:0004994, HP:0001638. Inheritance: Various modes of inheritance.
Catecholaminergic polymorphic ventricular tachycardia 1. Also called: VENTRICULAR TACHYCARDIA, STRESS-INDUCED POLYMORPHIC 1; RYR2-Related Catecholaminergic Polymorphic Ventricular Tachycardia; VENTRICULAR TACHYCARDIA, CATECHOLAMINERGIC POLYMORPHIC, 1, WITH OR WITHOUT ATRIAL DYSFUNCTION AND/OR DILATED CARDIOMYOPATHY. Identifiers: Orphanet 3286, MedGen C1631597, MONDO:0011484, OMIM 604772.
Arrhythmogenic right ventricular dysplasia 2. Identifiers: MedGen C1832931.
Catecholaminergic polymorphic ventricular tachycardia (CVPT). Also called: Catecholamine-induced polymorphic ventricular tachycardia. Identifiers: Orphanet 3286, MedGen C5574922, MONDO:0017990.

Allele frequency attached by ClinVar (database versions not stated): ESP Exome Variant Server 0.00016; ExAC 0.00033; gnomAD exomes 0.00034 and 0.00045; TOPMed 0.00041; gnomAD 0.00045 and 0.00046.
gnomAD v4.1: 725 of 1,613,888 alleles (0.045%); highest among the groups gnomAD compares: Non-Finnish European, 0.057%; 1 homozygote.

Submissions (18):

Labcorp Genetics (formerly Invitae), Labcorp
Classification: Likely benign for Catecholaminergic polymorphic ventricular tachycardia 1. Last evaluated: 2026-01-27. Review status: criteria provided, single submitter. Criteria: Invitae Variant Classification Sherloc (09022015). Collection method: clinical testing. Allele origin: germline.

Mayo Clinic Laboratories, Mayo Clinic
Classification: Likely benign. Last evaluated: 2025-08-27. Review status: criteria provided, single submitter. Criteria: ACMG Guidelines, 2015. Collection method: clinical testing. Allele origin: germline. Observed: 3 variant alleles.
Comment: BS1, BP4, BP7

Molecular Diagnostic Laboratory for Inherited Cardiovascular Disease, Montreal Heart Institute
Classification: Likely benign. Last evaluated: 2025-04-09. Review status: criteria provided, single submitter. Criteria: ACMG Guidelines, 2015. Collection method: clinical testing. Allele origin: germline. Affected: no.

CeGaT Center for Human Genetics Tuebingen
Classification: Likely benign. Last evaluated: 2025-03-01. Review status: criteria provided, single submitter. Criteria: CeGaT Center For Human Genetics Tuebingen Variant Classification Criteria Version 2. Collection method: clinical testing. Allele origin: germline. Affected: yes. Observed: 1 variant allele.
Comment: RYR2: BP4, BP7

Blueprint Genetics
Classification: Likely benign. Last evaluated: 2024-07-11. Review status: criteria provided, single submitter. Criteria: ACMG Guidelines, 2015. Collection method: clinical testing. Allele origin: germline.

All of Us Research Program, National Institutes of Health
Classification: Likely benign for Catecholaminergic polymorphic ventricular tachycardia. Last evaluated: 2024-02-05. Review status: criteria provided, single submitter. Criteria: ACMG Guidelines, 2015. Collection method: clinical testing. Allele origin: germline. Inheritance: Autosomal dominant inheritance. Observed: 99 variant alleles, 99 heterozygotes.
Comment: This study involves interpretation of variants in research participants for the purpose of population health screening. Participant phenotype was not available at the time of variant classification. Additional details can be found in publication PMID: 35346344, PMCID: PMC8962531

Women's Health and Genetics/Laboratory Corporation of America, LabCorp
Classification: Benign. Last evaluated: 2019-09-20. Review status: criteria provided, single submitter. Criteria: LabCorp Variant Classification Summary - May 2015. Collection method: clinical testing. Allele origin: germline.

Color Diagnostics, LLC DBA Color Health
Classification: Likely benign for Cardiomyopathy. Last evaluated: 2018-03-23. Review status: criteria provided, single submitter. Criteria: ACMG Guidelines, 2015. Collection method: clinical testing. Allele origin: germline.

Illumina Laboratory Services, Illumina
Classification: Uncertain significance for Catecholaminergic polymorphic ventricular tachycardia 1. Last evaluated: 2018-01-12. Review status: criteria provided, single submitter. Criteria: ICSL Variant Classification Criteria 13 December 2019. Collection method: clinical testing. Allele origin: germline.

Illumina Laboratory Services, Illumina
Classification: Likely benign for Catecholaminergic polymorphic ventricular tachycardia 1. Last evaluated: 2018-01-12. Review status: criteria provided, single submitter. Criteria: ICSL Variant Classification Criteria 13 December 2019. Collection method: clinical testing. Allele origin: germline.
Comment: This variant was observed in the ICSL laboratory as part of a predisposition screen in an ostensibly healthy population. It had not been previously curated by ICSL or reported in the Human Gene Mutation Database (HGMD: prior to June 1st, 2018), and was therefore a candidate for classification through an automated scoring system. Utilizing variant allele frequency, disease prevalence and penetrance estimates, and inheritance mode, an automated score was calculated to assess if this variant is too frequent to cause the disease. Based on the score and internal cut-off values, a variant classified as likely benign is not then subjected to further curation. The score for this variant resulted in a classification of likely benign for this disease.

Ambry Genetics
Classification: Likely benign for Cardiovascular phenotype. Last evaluated: 2016-07-13. Review status: criteria provided, single submitter. Criteria: Ambry Variant Classification Scheme 2023. Collection method: clinical testing. Allele origin: germline.

Laboratory for Molecular Medicine, Mass General Brigham Personalized Medicine
Classification: Likely benign. Last evaluated: 2015-08-25. Review status: criteria provided, single submitter. Criteria: LMM Criteria. Collection method: clinical testing. Allele origin: germline. Observed: 3 variant alleles.
Comment: p.Ala1873Ala in exon 37 of RYR2: This variant is not expected to have clinical s ignificance because it does not alter an amino acid residue and is not located w ithin the splice consensus sequence. It has been identified in 37/65998 European chromosomes by the Exome Aggregation Consortium (dbSNP rs373282364).

GeneDx
Classification: Benign. Last evaluated: 2015-03-03. Review status: criteria provided, single submitter. Criteria: GeneDx Variant Classification Process June 2021. Collection method: clinical testing. Allele origin: germline. Affected: yes.

Clinical Genetics DNA and cytogenetics Diagnostics Lab, Erasmus MC, Erasmus Medical Center
Classification: Likely benign. Review status: no assertion criteria provided. Collection method: clinical testing. Allele origin: germline. Affected: yes. Study: VKGL Data-share Consensus. Not counted in ClinVar's aggregate classification.

Clinical Genetics, Academic Medical Center
Classification: Benign. Review status: no assertion criteria provided. Collection method: clinical testing. Allele origin: germline. Affected: yes. Study: VKGL Data-share Consensus. Not counted in ClinVar's aggregate classification.

Diagnostic Laboratory, Department of Genetics, University Medical Center Groningen
Classification: Likely benign. Review status: no assertion criteria provided. Collection method: clinical testing. Allele origin: germline. Affected: yes. Study: VKGL Data-share Consensus. Not counted in ClinVar's aggregate classification.

Genome Diagnostics Laboratory, University Medical Center Utrecht
Classification: Likely benign. Review status: no assertion criteria provided. Collection method: clinical testing. Allele origin: germline. Affected: yes. Study: VKGL Data-share Consensus. Not counted in ClinVar's aggregate classification.

Joint Genome Diagnostic Labs from Nijmegen and Maastricht, Radboudumc and MUMC+
Classification: Likely benign. Review status: no assertion criteria provided. Collection method: clinical testing. Allele origin: germline. Affected: yes. Study: VKGL Data-share Consensus. Not counted in ClinVar's aggregate classification.

Literature cited by the submitters: PubMed 24503780 (cited by Ambry Genetics).

NM_001035.3(RYR2):c.5619A>G (p.Ala1873=)

Gene: RYR2 (ryanodine receptor 2; plus strand). Cytogenetic location: 1q43.
Variant type: single nucleotide variant.
Coding change: c.5619A>G on transcript NM_001035.3 (MANE Select); coding-DNA position 5619, A replaced by G.
Protein change: p.Ala1873=; no amino-acid change (alanine 1873 retained).
Molecular consequence: synonymous variant.
Genome position (GRCh38, 1-based): chr1:237,614,747, A>G. VCF-style: chr1-237614747-A-G. GRCh37 (hg19) VCF-style: chr1-237778047-A-G.
Other names: p.Ala1873=.
Identifiers: ClinVar variation 43807 (VCV000043807.48), dbSNP rs373282364, ClinGen allele CA009911.